The following is an entry in ClinVar:

ClinVar aggregate classification (germline): Uncertain significance. Review status: criteria provided, multiple submitters, no conflicts (2 of 4 stars). 3 submissions from 3 submitters: Uncertain significance (3). Last evaluated 2026-10-01.

Conditions:
Hereditary cancer-predisposing syndrome. Also called: Neoplastic Syndromes, Hereditary; Tumor predisposition; Hereditary neoplastic syndrome; Hereditary Cancer Syndrome. Identifiers: Orphanet 140162, MedGen C0027672, MeSH D009386, MONDO:0015356.
Neuroblastoma, susceptibility to, 3. Also called: ALK-Related Neuroblastic Tumor Susceptibility. Identifiers: Orphanet 635, MedGen C2751681, MONDO:0013083, OMIM 613014.

Allele frequency attached by ClinVar (database versions not stated): gnomAD 0.00001; gnomAD exomes 0.00002.
gnomAD v4.1: 24 of 1,551,092 alleles (0.0015%); highest among the groups gnomAD compares: Non-Finnish European, 0.0021%; no homozygotes.

Submissions (3):

St. Jude Molecular Pathology, St. Jude Children's Research Hospital
Classification: Uncertain significance for Neuroblastoma, susceptibility to, 3. Last evaluated: 2026-10-01. Review status: criteria provided, single submitter. Criteria: St. Jude Assertion Criteria 2020. Collection method: clinical testing. Allele origin: germline.
Comment: The ALK c.322G>A p.(Val108Ile) missense change has a maximum subpopulation frequency of 0.006% in gnomAD v2.1.1. The in silico tool REVEL predicts a benign effect on protein function, but to ou r knowledge this prediction has not been confirmed by functional studies. To our knowledge, this variant has not been reported in individuals with ALK-related neuroblastic tumor susceptibility. In summary, the evidence currently available is insufficient to determine the clinical significance of this variant. It has therefore been classified as of uncertain significance (VUS-Low).

Labcorp Genetics (formerly Invitae), Labcorp
Classification: Uncertain significance for Neuroblastoma, susceptibility to, 3. Last evaluated: 2025-06-22. Review status: criteria provided, single submitter. Criteria: Invitae Variant Classification Sherloc (09022015). Collection method: clinical testing. Allele origin: germline.
Comment: This sequence change replaces valine, which is neutral and non-polar, with isoleucine, which is neutral and non-polar, at codon 108 of the ALK protein (p.Val108Ile). This variant is present in population databases (no rsID available, gnomAD 0.007%). This variant has not been reported in the literature in individuals affected with ALK-related conditions. ClinVar contains an entry for this variant (Variation ID: 1019332). An algorithm developed to predict the effect of missense changes on protein structure and function outputs the following: PolyPhen-2: "Benign". The isoleucine amino acid residue is found in multiple mammalian species, which suggests that this missense change does not adversely affect protein function. In summary, the available evidence is currently insufficient to determine the role of this variant in disease. Therefore, it has been classified as a Variant of Uncertain Significance.

Ambry Genetics
Classification: Uncertain significance for Hereditary cancer-predisposing syndrome. Last evaluated: 2024-09-08. Review status: criteria provided, single submitter. Criteria: Ambry Variant Classification Scheme 2023. Collection method: clinical testing. Allele origin: germline.
Comment: The p.V108I variant (also known as c.322G>A), located in coding exon 1 of the ALK gene, results from a G to A substitution at nucleotide position 322. The valine at codon 108 is replaced by isoleucine, an amino acid with highly similar properties. This amino acid position is conserved. In addition, this alteration is predicted to be tolerated by in silico analysis. Since supporting evidence is limited at this time, the clinical significance of this alteration remains unclear.

NM_004304.5(ALK):c.322G>A (p.Val108Ile)

Gene: ALK (ALK receptor tyrosine kinase; minus strand). Cytogenetic location: 2p23.1.
Variant type: single nucleotide variant.
Coding change: c.322G>A on transcript NM_004304.5 (MANE Select); coding-DNA position 322, G replaced by A.
Protein change: p.Val108Ile; replaces valine 108 with isoleucine.
Molecular consequence: missense variant.
Genome position (GRCh38, 1-based): chr2:29,920,338, C>T on the plus strand (G>A on the coding strand, the complement: ALK is on the minus strand). VCF-style: chr2-29920338-C-T. GRCh37 (hg19) VCF-style: chr2-30143204-C-T.
Other names: short protein forms V108I.
Identifiers: ClinVar variation 1019332 (VCV001019332.13), dbSNP rs1338077965, ClinGen allele CA346590266.